The following is an entry in ClinVar:

ClinVar aggregate classification (germline): Conflicting classifications of pathogenicity. Review status: criteria provided, conflicting classifications (1 of 4 stars). 5 submissions from 4 submitters: Uncertain significance (1); Benign (2); Likely benign (1). 1 of the submissions does not count toward it. Last evaluated 2025-11-09.

Conditions:
MYH9-related disorder. Identifiers: MedGen C1854520.
Autosomal dominant nonsyndromic hearing loss 17. Also called: Autosomal dominant nonsyndromic deafness 17; Deafness, autosomal dominant 17. Identifiers: Orphanet 90635, MedGen C1863659, MONDO:0011350, OMIM 603622.

Allele frequency attached by ClinVar (database versions not stated): gnomAD 0.00002 and 0.00003; gnomAD exomes 0.00002 and 0.00012; TOPMed 0.00005; ExAC 0.00013; 1000 Genomes Project 0.00020; 1000 Genomes Project 30x 0.00031.
gnomAD v4.1: 35 of 1,610,044 alleles (0.0022%); highest among the groups gnomAD compares: Admixed American, 0.055%; no homozygotes.

Submissions (5):

Labcorp Genetics (formerly Invitae), Labcorp
Classification: Benign. Last evaluated: 2025-11-09. Review status: criteria provided, single submitter. Criteria: Invitae Variant Classification Sherloc (09022015). Collection method: clinical testing. Allele origin: germline.

GeneDx
Classification: Uncertain significance. Last evaluated: 2023-05-08. Review status: criteria provided, single submitter. Criteria: GeneDx Variant Classification Process June 2021. Collection method: clinical testing. Allele origin: germline. Affected: yes.
Comment: In silico analysis supports that this variant does not alter splicing; Has not been previously published as pathogenic or benign to our knowledge

Illumina Laboratory Services, Illumina
Classification: Likely benign for Autosomal dominant nonsyndromic hearing loss 17. Last evaluated: 2018-01-13. Review status: criteria provided, single submitter. Criteria: ICSL Variant Classification Criteria 13 December 2019. Collection method: clinical testing. Allele origin: germline.
Comment: This variant was observed in the ICSL laboratory as part of a predisposition screen in an ostensibly healthy population. It had not been previously curated by ICSL or reported in the Human Gene Mutation Database (HGMD: prior to June 1st, 2018), and was therefore a candidate for classification through an automated scoring system. Utilizing variant allele frequency, disease prevalence and penetrance estimates, and inheritance mode, an automated score was calculated to assess if this variant is too frequent to cause the disease. Based on the score and internal cut-off values, a variant classified as likely benign is not then subjected to further curation. The score for this variant resulted in a classification of likely benign for this disease.

Illumina Laboratory Services, Illumina
Classification: Benign for MYH9-related disorder. Last evaluated: 2018-01-13. Review status: criteria provided, single submitter. Criteria: ICSL Variant Classification Criteria 13 December 2019. Collection method: clinical testing. Allele origin: germline.
Comment: This variant was observed in the ICSL laboratory as part of a predisposition screen in an ostensibly healthy population. It had not been previously curated by ICSL or reported in the Human Gene Mutation Database (HGMD: prior to June 1st, 2018), and was therefore a candidate for classification through an automated scoring system. Utilizing variant allele frequency, disease prevalence and penetrance estimates, and inheritance mode, an automated score was calculated to assess if this variant is too frequent to cause the disease. Based on the score and internal cut-off values, a variant classified as benign is not then subjected to further curation. The score for this variant resulted in a classification of benign for this disease.

PreventionGenetics, part of Exact Sciences
Classification: Likely benign for MYH9-related condition. Last evaluated: 2019-07-15. Review status: no assertion criteria provided. Collection method: clinical testing. Allele origin: germline. Not counted in ClinVar's aggregate classification.
Comment: This variant is classified as likely benign based on ACMG/AMP sequence variant interpretation guidelines (Richards et al. 2015 PMID: 25741868, with internal and published modifications).

NM_002473.6(MYH9):c.318C>T (p.Tyr106=)

Gene: MYH9 (myosin heavy chain 9; minus strand). Cytogenetic location: 22q12.3.
Variant type: single nucleotide variant.
Coding change: c.318C>T on transcript NM_002473.6 (MANE Select); coding-DNA position 318, C replaced by T.
Protein change: p.Tyr106=; no amino-acid change (tyrosine 106 retained).
Molecular consequence: synonymous variant.
Genome position (GRCh38, 1-based): chr22:36,348,919, G>A on the plus strand (C>T on the coding strand, the complement: MYH9 is on the minus strand). VCF-style: chr22-36348919-G-A. GRCh37 (hg19) VCF-style: chr22-36744964-G-A.
Other names: c.318C>T (NM_002473.5).
Identifiers: ClinVar variation 341535 (VCV000341535.12), dbSNP rs202117532, ClinGen allele CA10210686.